The following is an entry in ClinVar:

ClinVar aggregate classification (germline): Uncertain significance. Review status: criteria provided, multiple submitters, no conflicts (2 of 4 stars). 2 submissions from 2 submitters: Uncertain significance (2). Last evaluated 2023-04-03.

Conditions:
Long QT syndrome (LQTS). Identifiers: MedGen C0023976, MeSH D008133, MONDO:0002442. Disease mechanism: loss of function. Inheritance: Various modes of inheritance.
Cardiac arrhythmia. Also called: Arrhythmia; Cardiac rhythm disease. Identifiers: MedGen C0003811, MONDO:0007263, HP:0011675.

Allele frequency attached by ClinVar (database versions not stated): gnomAD exomes 0.00001 and below 0.00001; TOPMed below 0.00001; ExAC 0.00001.
gnomAD v4.1: 4 of 1,614,180 alleles (0.00025%); highest among the groups gnomAD compares: South Asian, 0.0033%; no homozygotes.

Submissions (2):

All of Us Research Program, National Institutes of Health
Classification: Uncertain significance for Long QT syndrome. Last evaluated: 2023-04-03. Review status: criteria provided, single submitter. Criteria: ACMG Guidelines, 2015. Collection method: clinical testing. Allele origin: germline. Inheritance: Autosomal dominant inheritance. Observed: 1 variant allele, 1 heterozygote.
Comment: This missense variant replaces serine with glycine at codon 468 of the KCNQ1 protein. Computational prediction is inconclusive regarding the impact of this variant on protein structure and function (internally defined REVEL score threshold 0.5 < inconclusive < 0.7, PMID: 27666373). To our knowledge, functional studies have not been reported for this variant. This variant has not been reported in individuals affected with cardiovascular disorders in the literature. This variant has been identified in 2/251418 chromosomes in the general population by the Genome Aggregation Database (gnomAD). The available evidence is insufficient to determine the role of this variant in disease conclusively. Therefore, this variant is classified as a Variant of Uncertain Significance.

This study involves interpretation of variants in research participants for the purpose of population health screening. Participant phenotype was not available at the time of variant classification. Additional details can be found in publication PMID: 35346344, PMCID: PMC8962531

Color Diagnostics, LLC DBA Color Health
Classification: Uncertain significance for Cardiac arrhythmia. Last evaluated: 2020-11-02. Review status: criteria provided, single submitter. Criteria: ACMG Guidelines, 2015. Collection method: clinical testing. Allele origin: germline.
Comment: This missense variant replaces serine with glycine at codon 468 of the KCNQ1 protein. Computational prediction is inconclusive regarding the impact of this variant on protein structure and function (internally defined REVEL score threshold 0.5 < inconclusive < 0.7, PMID: 27666373). To our knowledge, functional studies have not been reported for this variant. This variant has not been reported in individuals affected with cardiovascular disorders in the literature. This variant has been identified in 2/251418 chromosomes in the general population by the Genome Aggregation Database (gnomAD). The available evidence is insufficient to determine the role of this variant in disease conclusively. Therefore, this variant is classified as a Variant of Uncertain Significance.

NM_000218.3(KCNQ1):c.1402A>G (p.Ser468Gly)

Genes: KCNQ1 (potassium voltage-gated channel subfamily Q member 1; plus strand), KCNQ1OT1 (KCNQ1 opposite strand/antisense transcript 1; minus strand). Cytogenetic location: 11p15.5.
Variant type: single nucleotide variant.
Coding change: c.1402A>G on transcript NM_000218.3 (MANE Select); coding-DNA position 1402, A replaced by G.
Protein change: p.Ser468Gly; replaces serine 468 with glycine.
Molecular consequence: missense variant.
Genome position (GRCh38, 1-based): chr11:2,661,969, A>G. VCF-style: chr11-2661969-A-G. GRCh37 (hg19) VCF-style: chr11-2683199-A-G.
Other names: c.1306A>G, p.Ser436Gly (NM_001406836.1); c.1132A>G, p.Ser378Gly (NM_001406837.1); c.862A>G, p.Ser288Gly (NM_001406838.1); c.1021A>G, p.Ser341Gly (NM_181798.2); short protein forms S341G, S468G, S288G, S378G, S436G.
Identifiers: ClinVar variation 1172101 (VCV001172101.6), dbSNP rs763931151, ClinGen allele CA029853.
Genomic context (GRCh38, chr11:2,661,969, plus strand): 5'-CTGGCAGGTTGGGTGGGAGGCCTAACGTGCTGTCCCCACACTTTCTCCTCAGTAAGGAAG[A>G]GCCCAACACTGCTGGAAGTGAGCATGCCCCATTTCATGAGAACCAACAGCTTCGCCGAGG-3'
Protein context (NP_000209.2, residues 458-478): VDGYDSSVRK[Ser468Gly]PTLLEVSMPH